The following is an entry in ClinVar:

ClinVar aggregate classification (germline): Benign (1 of 4 stars; one submission).

Conditions:
Obesity due to SIM1 deficiency. Identifiers: Orphanet 369873, MedGen C5191050, MONDO:0018244.

Allele frequency attached by ClinVar (database versions not stated): gnomAD 0.34561 and 0.35177; TOPMed 0.35161; 1000 Genomes Project 30x 0.39335; gnomAD exomes 0.39706; 1000 Genomes Project 0.39876.
gnomAD v4.1: 145,769 of 385,692 alleles (38%); highest among the groups gnomAD compares: East Asian, 75%; 30,290 homozygotes.

Submission:

Illumina Laboratory Services, Illumina
Classification: Benign for Obesity due to SIM1 deficiency. Last evaluated: 2018-01-13. Review status: criteria provided, single submitter. Criteria: ICSL Variant Classification Criteria 13 December 2019. Collection method: clinical testing. Allele origin: germline.
Comment: This variant was observed in the ICSL laboratory as part of a predisposition screen in an ostensibly healthy population. It had not been previously curated by ICSL or reported in the Human Gene Mutation Database (HGMD: prior to June 1st, 2018), and was therefore a candidate for classification through an automated scoring system. Utilizing variant allele frequency, disease prevalence and penetrance estimates, and inheritance mode, an automated score was calculated to assess if this variant is too frequent to cause the disease. Based on the score and internal cut-off values, a variant classified as benign is not then subjected to further curation. The score for this variant resulted in a classification of benign for this disease.

NM_005068.3(SIM1):c.*348A>T

Gene: SIM1 (SIM bHLH transcription factor 1; minus strand). Cytogenetic location: 6q16.3.
Variant type: single nucleotide variant.
Coding change: c.*348A>T on transcript NM_005068.3 (MANE Select); 348 bases downstream of the stop codon, A replaced by T.
Molecular consequence: 3 prime UTR variant.
Genome position (GRCh38, 1-based): chr6:100,390,013, T>A on the plus strand (A>T on the coding strand, the complement: SIM1 is on the minus strand). VCF-style: chr6-100390013-T-A. GRCh37 (hg19) VCF-style: chr6-100837889-T-A.
Other names: c.*348A>T (NM_001374769.1).
Identifiers: ClinVar variation 354670 (VCV000354670.5), dbSNP rs1395119, ClinGen allele CA10625419.